The following is an entry in ClinVar:

NM_001999.4(FBN2):c.2701A>G (p.Asn901Asp)

Gene: FBN2 (fibrillin 2; minus strand). Cytogenetic location: 5q23.3.
Variant type: single nucleotide variant.
Coding change: c.2701A>G on transcript NM_001999.4 (MANE Select); coding-DNA position 2701, A replaced by G.
Protein change: p.Asn901Asp; replaces asparagine 901 with aspartic acid.
Molecular consequence: missense variant.
Genome position (GRCh38, 1-based): chr5:128,350,979, T>C on the plus strand (A>G on the coding strand, the complement: FBN2 is on the minus strand). VCF-style: chr5-128350979-T-C. GRCh37 (hg19) VCF-style: chr5-127686671-T-C.
Other names: short protein forms N901D.
Identifiers: ClinVar variation 2870903 (VCV002870903.3), dbSNP rs1751340678, ClinGen allele CA360766458.

ClinVar aggregate classification (germline): Uncertain significance (1 of 4 stars; one submission).

Conditions:
Congenital contractural arachnodactyly (CCA). Also called: BEALS SYNDROME; Arthrogryposis, distal, type 9; Beals-Hecht syndrome. Identifiers: Orphanet 115, MedGen C0220668, MONDO:0007363, OMIM 121050.

Allele frequency attached by ClinVar (database versions not stated): gnomAD exomes below 0.00001.
gnomAD v4.1: 1 of 1,614,182 alleles (0.000062%); highest among the groups gnomAD compares: Non-Finnish European, 0.000085%; no homozygotes.

Submission:

Labcorp Genetics (formerly Invitae), Labcorp
Classification: Uncertain significance for Congenital contractural arachnodactyly. Last evaluated: 2023-10-04. Review status: criteria provided, single submitter. Criteria: Invitae Variant Classification Sherloc (09022015). Collection method: clinical testing. Allele origin: germline.
Comment: This sequence change replaces asparagine, which is neutral and polar, with aspartic acid, which is acidic and polar, at codon 901 of the FBN2 protein (p.Asn901Asp). This variant is not present in population databases (gnomAD no frequency). This variant has not been reported in the literature in individuals affected with FBN2-related conditions. Advanced modeling of protein sequence and biophysical properties (such as structural, functional, and spatial information, amino acid conservation, physicochemical variation, residue mobility, and thermodynamic stability) performed at Invitae indicates that this missense variant is not expected to disrupt FBN2 protein function. In summary, the available evidence is currently insufficient to determine the role of this variant in disease. Therefore, it has been classified as a Variant of Uncertain Significance.